The following is an entry in ClinVar:

NM_016247.4(IMPG2):c.2135T>G (p.Val712Gly)

Gene: IMPG2 (interphotoreceptor matrix proteoglycan 2; minus strand). Cytogenetic location: 3q12.3.
Variant type: single nucleotide variant.
Coding change: c.2135T>G on transcript NM_016247.4 (MANE Select); coding-DNA position 2135, T replaced by G.
Protein change: p.Val712Gly; replaces valine 712 with glycine.
Molecular consequence: missense variant.
Genome position (GRCh38, 1-based): chr3:101,244,196, A>C on the plus strand (T>G on the coding strand, the complement: IMPG2 is on the minus strand). VCF-style: chr3-101244196-A-C. GRCh37 (hg19) VCF-style: chr3-100963040-A-C.
Other names: short protein forms V712G.
Identifiers: ClinVar variation 2122036 (VCV002122036.4), dbSNP rs900418391, ClinGen allele CA353858621.

ClinVar aggregate classification (germline): Uncertain significance (1 of 4 stars; one submission).

Submission:

Labcorp Genetics (formerly Invitae), Labcorp
Classification: Uncertain significance. Last evaluated: 2022-08-09. Review status: criteria provided, single submitter. Criteria: Invitae Variant Classification Sherloc (09022015). Collection method: clinical testing. Allele origin: germline.
Comment: In summary, the available evidence is currently insufficient to determine the role of this variant in disease. Therefore, it has been classified as a Variant of Uncertain Significance. Algorithms developed to predict the effect of missense changes on protein structure and function are either unavailable or do not agree on the potential impact of this missense change (SIFT: "Deleterious"; PolyPhen-2: "Benign"; Align-GVGD: "Class C0"). This variant has not been reported in the literature in individuals affected with IMPG2-related conditions. This variant is not present in population databases (gnomAD no frequency). This sequence change replaces valine, which is neutral and non-polar, with glycine, which is neutral and non-polar, at codon 712 of the IMPG2 protein (p.Val712Gly).